The following is an entry in ClinVar:

ClinVar aggregate classification (germline): Pathogenic/Likely pathogenic. Review status: criteria provided, multiple submitters, no conflicts (2 of 4 stars). 3 submissions from 3 submitters: Pathogenic (2); Likely pathogenic (1). Last evaluated 2024-03-14.

Conditions:
Fanconi anemia complementation group L (FANCL). Also called: FANCL-Related Fanconi Anemia. Identifiers: Orphanet 84, MedGen C3469528, MONDO:0013566, OMIM 614083.
Fanconi anemia (FA). Also called: Fanconi's anemia. Identifiers: Orphanet 84, MedGen C0015625, MeSH D005199, MONDO:0019391.

Submissions (3):

Labcorp Genetics (formerly Invitae), Labcorp
Classification: Pathogenic for Fanconi anemia. Last evaluated: 2024-03-14. Review status: criteria provided, single submitter. Criteria: Invitae Variant Classification Sherloc (09022015). Collection method: clinical testing. Allele origin: germline.
Comment: This sequence change creates a premature translational stop signal (p.Arg10Alafs*31) in the FANCL gene. It is expected to result in an absent or disrupted protein product. Loss-of-function variants in FANCL are known to be pathogenic (PMID: 19405097, 23613520). This variant is not present in population databases (gnomAD no frequency). This variant has not been reported in the literature in individuals affected with FANCL-related conditions. ClinVar contains an entry for this variant (Variation ID: 1951904). For these reasons, this variant has been classified as Pathogenic.

Women's Health and Genetics/Laboratory Corporation of America, LabCorp
Classification: Pathogenic for Fanconi anemia. Last evaluated: 2023-06-08. Review status: criteria provided, single submitter. Criteria: LabCorp Variant Classification Summary - May 2015. Collection method: clinical testing. Allele origin: germline.
Comment: Variant summary: FANCL c.28delC (p.Arg10AlafsX31) results in a premature termination codon, predicted to cause a truncation of the encoded protein or absence of the protein due to nonsense mediated decay, which are commonly known mechanisms for disease. Variants downstream of this position have been classified as pathogenic in ClinVar. The variant was absent in 251280 control chromosomes (gnomAD). To our knowledge, no occurrence of c.28delC in individuals affected with Fanconi Anemia and no experimental evidence demonstrating its impact on protein function have been reported. One clinical diagnostic laboratory has submitted clinical-significance assessments for this variant to ClinVar after 2014 and classified the variant as pathogenic. Based on the evidence outlined above, the variant was classified as pathogenic.

Baylor Genetics
Classification: Likely pathogenic for Fanconi anemia complementation group L. Last evaluated: 2023-05-07. Review status: criteria provided, single submitter. Criteria: ACMG Guidelines, 2015. Collection method: clinical testing. Allele origin: unknown.

Literature cited by the submitters: PubMed 19405097 (cited by Labcorp Genetics (formerly Invitae), Labcorp); PubMed 23613520 (cited by Labcorp Genetics (formerly Invitae), Labcorp).

NM_018062.4(FANCL):c.28del (p.Arg10fs)

Gene: FANCL (FA complementation group L; minus strand). Cytogenetic location: 2p16.1.
Variant type: Deletion.
Coding change: c.28del on transcript NM_018062.4 (MANE Select); coding-DNA position 28, one base deleted (C; older notation c.28delC).
Protein change: p.Arg10fs; shifts the reading frame from arginine 10.
Molecular consequence: frameshift variant.
Genome position (GRCh38, 1-based): chr2:58,241,286, G deleted on the plus strand (C on the coding strand, the reverse complement: FANCL is on the minus strand). VCF-style (leftmost placement, unchanged base first): chr2-58241285-CG-C. GRCh37 (hg19) VCF-style: chr2-58468420-CG-C.
Other names: c.28delC, p.Arg10Alafs (NM_001114636.2); c.28del, p.Arg10fs (NM_001374615.1, NM_001410792.1); short protein forms R10fs.
Identifiers: ClinVar variation 1951904 (VCV001951904.7), dbSNP rs2467657340, ClinGen allele CA2580067610.